The following is an entry in ClinVar:

ClinVar aggregate classification (germline): Benign/Likely benign. Review status: criteria provided, multiple submitters, no conflicts (2 of 4 stars). 2 submissions from 2 submitters: Benign (1); Likely benign (1). Last evaluated 2024-06-14.

Conditions:
Familial adenomatous polyposis 1 (FAP1). Also called: POLYPOSIS, ADENOMATOUS INTESTINAL; FAMILIAL ADENOMATOUS POLYPOSIS 1, ATTENUATED. Identifiers: MedGen C2713442, MONDO:0021056, OMIM 175100. Disease mechanism: loss of function.
Hereditary cancer-predisposing syndrome. Also called: Neoplastic Syndromes, Hereditary; Tumor predisposition; Hereditary neoplastic syndrome; Hereditary Cancer Syndrome. Identifiers: Orphanet 140162, MedGen C0027672, MeSH D009386, MONDO:0015356.

Submissions (2):

Ambry Genetics
Classification: Likely benign for Hereditary cancer-predisposing syndrome. Last evaluated: 2024-06-14. Review status: criteria provided, single submitter. Criteria: Ambry Variant Classification Scheme 2023. Collection method: clinical testing. Allele origin: germline.

Myriad Genetics, Inc.
Classification: Benign for Familial adenomatous polyposis 1. Last evaluated: 2024-03-12. Review status: criteria provided, single submitter. Criteria: Myriad Autosomal Dominant, Autosomal Recessive and X-Linked Classification Criteria (2023). Collection method: clinical testing. Allele origin: unknown.
Comment: This variant is considered benign. This variant is a silent/synonymous amino acid change and it is not expected to impact splicing.

NM_000038.6(APC):c.2442T>C (p.Phe814=)

Gene: APC (APC regulator of Wnt signaling pathway; plus strand). Cytogenetic location: 5q22.2.
Variant type: single nucleotide variant.
Coding change: c.2442T>C on transcript NM_000038.6 (MANE Select); coding-DNA position 2442, T replaced by C.
Protein change: p.Phe814=; no amino-acid change (phenylalanine 814 retained).
Molecular consequence: synonymous variant. On other transcripts: non-coding transcript variant (2).
Genome position (GRCh38, 1-based): chr5:112,838,036, T>C. VCF-style: chr5-112838036-T-C. GRCh37 (hg19) VCF-style: chr5-112173733-T-C.
Other names: c.2442T>C (NM_000038.5); c.2442T>C, p.Phe814= (NM_001127510.3, NM_001354895.2, NM_001407450.1); c.2388T>C, p.Phe796= (NM_001127511.3); c.2496T>C, p.Phe832= (NM_001354896.2, NM_001407447.1, NM_001407448.1 and 1 more transcripts); c.2472T>C, p.Phe824= (NM_001354897.2); c.2367T>C, p.Phe789= (NM_001354898.2); c.2358T>C, p.Phe786= (NM_001354899.2); c.2319T>C, p.Phe773= (NM_001354900.2); and 12 more.
Identifiers: ClinVar variation 3148797 (VCV003148797.2), dbSNP rs587782495, ClinGen allele CA445963488.